The following is an entry in ClinVar:

ClinVar aggregate classification (germline): Uncertain significance. Review status: criteria provided, multiple submitters, no conflicts (2 of 4 stars). 2 submissions from 2 submitters: Uncertain significance (2). Last evaluated 2024-01-14.

Conditions:
Blepharophimosis - intellectual disability syndrome, SBBYS type (SBBYSS). Also called: Mental retardation unusual facies hypothyroidism; Say-Barber-Biesecker-Young-Simpson variant of Ohdo Syndrome; Say-Barber-Biesecker Variant of Ohdo Syndrome; Say-Barber-Biesecker variant of Ohdo syndrome (SBBYSS); Young Simpson syndrome; Ohdo syndrome, SBBYS variant. Identifiers: Orphanet 3047, MedGen C1863557, MONDO:0011365, OMIM 603736.
Genitopatellar syndrome (GTPTS). Also called: Genitopatellar syndrome (GPS); ABSENT PATELLAE, SCROTAL HYPOPLASIA, RENAL ANOMALIES, FACIAL DYSMORPHISM, AND MENTAL RETARDATION. Identifiers: Orphanet 85201, MedGen C1853566, MONDO:0011640, OMIM 606170.

Submissions (2):

Fulgent Genetics
Classification: Uncertain significance for Blepharophimosis - intellectual disability syndrome, SBBYS type; Genitopatellar syndrome. Last evaluated: 2024-01-14. Review status: criteria provided, single submitter. Criteria: ACMG Guidelines, 2015. Collection method: clinical testing. Allele origin: germline.

Labcorp Genetics (formerly Invitae), Labcorp
Classification: Uncertain significance for Genitopatellar syndrome. Last evaluated: 2020-12-09. Review status: criteria provided, single submitter. Criteria: Invitae Variant Classification Sherloc (09022015). Collection method: clinical testing. Allele origin: germline.
Comment: In summary, the available evidence is currently insufficient to determine the role of this variant in disease. Therefore, it has been classified as a Variant of Uncertain Significance. Algorithms developed to predict the effect of missense changes on protein structure and function are either unavailable or do not agree on the potential impact of this missense change (SIFT: "Deleterious"; PolyPhen-2: "Probably Damaging"; Align-GVGD: "Class C0"). This variant has not been reported in the literature in individuals with KAT6B-related conditions. This variant is present in population databases (rs182392778, ExAC 0.001%). This sequence change replaces isoleucine with asparagine at codon 342 of the KAT6B protein (p.Ile342Asn). The isoleucine residue is moderately conserved and there is a large physicochemical difference between isoleucine and asparagine.

NM_012330.4(KAT6B):c.1025T>A (p.Ile342Asn)

Gene: KAT6B (lysine acetyltransferase 6B; plus strand). Cytogenetic location: 10q22.2.
Variant type: single nucleotide variant.
Coding change: c.1025T>A on transcript NM_012330.4 (MANE Select); coding-DNA position 1025, T replaced by A.
Protein change: p.Ile342Asn; replaces isoleucine 342 with asparagine.
Molecular consequence: missense variant. On other transcripts: intron variant (5).
Genome position (GRCh38, 1-based): chr10:74,972,603, T>A. VCF-style: chr10-74972603-T-A. GRCh37 (hg19) VCF-style: chr10-76732361-T-A.
Other names: c.1025T>A, p.Ile342Asn (NM_001256468.2, NM_001256469.2, NM_001370132.1 and 7 more transcripts); c.846+2828T>A (NM_001370133.1); c.193-6621T>A (NM_001370134.1); c.928+2502T>A (NM_001370143.1, NM_001370144.1); c.192+12525T>A (NM_001370135.1); short protein forms I342N.
Identifiers: ClinVar variation 1461264 (VCV001461264.9), dbSNP rs182392778, ClinGen allele CA5564349.
Genomic context (GRCh38, chr10:74,972,603, plus strand): 5'-AGGGAAGAAAACTACTTCATGAGAAAGCTGCACAAATAAAACGACGATATGCAAAACCCA[T>A]TGGACGACCGAAAAATAAATTAAAGCAACGATTGTTGTAGGTTGAGATCTTATCAAAAGA-3'
Protein context (NP_036462.2, residues 332-352): AQIKRRYAKP[Ile342Asn]GRPKNKLKQR